The following is an entry in ClinVar:

NM_001042702.5(PJVK):c.478A>G (p.Met160Val)

Gene: PJVK (pejvakin; plus strand). Cytogenetic location: 2q31.2.
Variant type: single nucleotide variant.
Coding change: c.478A>G on transcript NM_001042702.5 (MANE Select); coding-DNA position 478, A replaced by G.
Protein change: p.Met160Val; replaces methionine 160 with valine.
Molecular consequence: missense variant. On other transcripts: initiator codon variant (2).
Genome position (GRCh38, 1-based): chr2:178,456,080, A>G. VCF-style: chr2-178456080-A-G. GRCh37 (hg19) VCF-style: chr2-179320807-A-G.
Other names: c.487A>G, p.Met163Val (NM_001353775.2); c.583A>G, p.Met195Val (NM_001353776.2); c.1A>G, p.Met1Val (NM_001353777.1, NM_001353778.2); c.478A>G, p.Met160Val (NM_001369912.1); short protein forms M160V, M163V, M195V, M1V.
Identifiers: ClinVar variation 1120093 (VCV001120093.5), dbSNP rs757161569, ClinGen allele CA1984205.

ClinVar aggregate classification (germline): Uncertain significance (1 of 4 stars; one submission).

Allele frequency attached by ClinVar (database versions not stated): gnomAD exomes below 0.00001; TOPMed below 0.00001; ExAC 0.00001.

Submission:

Laboratory for Molecular Medicine, Mass General Brigham Personalized Medicine
Classification: Uncertain significance. Last evaluated: 2020-11-20. Review status: criteria provided, single submitter. Criteria: LMM Criteria. Collection method: clinical testing. Allele origin: germline. Observed: 1 variant allele.
Comment: The p.Met160Val variant in DFNB59 has not been previously reported in individuals with hearing loss but has been identified in 0.00088% (1/113258) of European chromosomes by gnomAD. Computational prediction tools and conservation analyses do not provide strong support for or against an impact to the protein, and a Valine is present at this position in >10 fish species. However, this information is not enough to rule out pathogenicity. In summary, the clinical significance of this variant is uncertain. ACMG/AMP Criteria applied: PM2_supporting.